The following is an entry in ClinVar:

ClinVar aggregate classification (germline): Likely pathogenic (1 of 4 stars; one submission).

Conditions:
Dilated cardiomyopathy 1G (CMD1G). Identifiers: Orphanet 154, MedGen C1858763, MONDO:0011400, OMIM 604145.
Autosomal recessive limb-girdle muscular dystrophy type 2J (LGMDR10). Also called: MUSCULAR DYSTROPHY, LIMB-GIRDLE, AUTOSOMAL RECESSIVE 10; Limb-girdle muscular dystrophy, type 2J. Identifiers: Orphanet 140922, MedGen C1837342, MONDO:0012127, OMIM 608807.

Submission:

Labcorp Genetics (formerly Invitae), Labcorp
Classification: Likely pathogenic for Dilated cardiomyopathy 1G; Autosomal recessive limb-girdle muscular dystrophy type 2J. Last evaluated: 2024-11-04. Review status: criteria provided, single submitter. Criteria: Invitae Variant Classification Sherloc (09022015). Collection method: clinical testing. Allele origin: germline.
Comment: This sequence change creates a premature translational stop signal (p.Gly9326*) in the TTN gene. While this is not anticipated to result in nonsense mediated decay, it is expected to create a truncated TTN protein. This variant is not present in population databases (gnomAD no frequency). This variant has not been reported in the literature in individuals affected with TTN-related conditions. ClinVar contains an entry for this variant (Variation ID: 2944187). This variant is located in the I band of TTN (PMID: 25589632). Truncating variants in this region have been reported in individuals affected with autosomal recessive centronuclear myopathy (PMID: 23975875, internal data). Truncating variants in this region have also been identified in individuals affected with autosomal dominant dilated cardiomyopathy and/or cardio-related conditions (PMID: 27869827, 32964742, internal data). In summary, the currently available evidence indicates that the variant is pathogenic, but additional data are needed to prove that conclusively. Therefore, this variant has been classified as Likely Pathogenic.

Literature cited by the submitters: PubMed 25589632; PubMed 23975875; PubMed 27869827; PubMed 32964742.

NM_001267550.2(TTN):c.27976G>T (p.Gly9326Ter)

Gene: TTN (titin; minus strand). Cytogenetic location: 2q31.2.
Variant type: single nucleotide variant.
Coding change: c.27976G>T on transcript NM_001267550.2 (MANE Select); coding-DNA position 27976, G replaced by T.
Protein change: p.Gly9326Ter; replaces glycine 9326 with a stop codon.
Molecular consequence: nonsense. On other transcripts: intron variant (3).
Genome position (GRCh38, 1-based): chr2:178,711,260, C>A on the plus strand (G>T on the coding strand, the complement: TTN is on the minus strand). VCF-style: chr2-178711260-C-A. GRCh37 (hg19) VCF-style: chr2-179575987-C-A.
Other names: c.27025G>T, p.Gly9009Ter (NM_001256850.1); c.24244G>T, p.Gly8082Ter (NM_133378.4); c.13282+26822G>T (NM_003319.4); c.13858+26822G>T (NM_133437.4); c.13657+26822G>T (NM_133432.3); short protein forms G9009*, G8082*, G9326*.
Identifiers: ClinVar variation 2944187 (VCV002944187.3), dbSNP rs2528816473, ClinGen allele CA349442308.
Genomic context (GRCh38, chr2:178,711,260, plus strand): 5'-TTGGGCTGTCTTTCAATGGCTTGCCGTCTTTATACCAAGACACGGAGATAGGTTCTGATC[C>A]ACTTATGGCACAATCAAAAACAACTGGCAGTCCAACTGTTTCTTGAACATCTCTCAATTG-3'